The following is an entry in ClinVar:

NM_033004.4(NLRP1):c.124C>A (p.Pro42Thr)

Gene: NLRP1 (NLR family pyrin domain containing 1; minus strand). Cytogenetic location: 17p13.2.
Variant type: single nucleotide variant.
Coding change: c.124C>A on transcript NM_033004.4 (MANE Select); coding-DNA position 124, C replaced by A.
Protein change: p.Pro42Thr; replaces proline 42 with threonine.
Molecular consequence: missense variant.
Genome position (GRCh38, 1-based): chr17:5,583,834, G>T on the plus strand (C>A on the coding strand, the complement: NLRP1 is on the minus strand). VCF-style: chr17-5583834-G-T. GRCh37 (hg19) VCF-style: chr17-5487154-G-T.
Other names: c.124C>A (NM_033004.3); c.124C>A, p.Pro42Thr (NM_001033053.3, NM_014922.5, NM_033006.4 and 1 more transcripts); short protein forms P42T.
Identifiers: ClinVar variation 1496414 (VCV001496414.8), dbSNP rs200014469, ClinGen allele CA8327647.
Genomic context (GRCh38, chr17:5,583,834, plus strand): 5'-CATACTGAGCCACCAGGTACGAGGCCACCTCCATGCCACTCGTCTTCTCTGGCTGAGCGG[G>T]TGTCTCACCCGAAGAGCTCCTGGAGTGCGCTTTATTGGCGAGCAGAAGCTGGAACTCCTT-3'
Protein context (NP_127497.1, residues 32-52): AHSRSSSGET[Pro42Thr]AQPEKTSGME

ClinVar aggregate classification (germline): Uncertain significance. Review status: criteria provided, multiple submitters, no conflicts (2 of 4 stars). 2 submissions from 2 submitters: Uncertain significance (2). Last evaluated 2025-02-02.

Conditions:
Inborn genetic diseases. Identifiers: MedGen C0950123, MeSH D030342.

Allele frequency attached by ClinVar (database versions not stated): gnomAD 0.00001; TOPMed 0.00002.
gnomAD v4.1: 36 of 1,566,950 alleles (0.0023%); highest among the groups gnomAD compares: Non-Finnish European, 0.0031%; no homozygotes.

Submissions (2):

Labcorp Genetics (formerly Invitae), Labcorp
Classification: Uncertain significance. Last evaluated: 2025-02-02. Review status: criteria provided, single submitter. Criteria: Invitae Variant Classification Sherloc (09022015). Collection method: clinical testing. Allele origin: germline.
Comment: This sequence change replaces proline, which is neutral and non-polar, with threonine, which is neutral and polar, at codon 42 of the NLRP1 protein (p.Pro42Thr). This variant is not present in population databases (gnomAD no frequency). This variant has not been reported in the literature in individuals affected with NLRP1-related conditions. ClinVar contains an entry for this variant (Variation ID: 1496414). An algorithm developed to predict the effect of missense changes on protein structure and function (PolyPhen-2) suggests that this variant is likely to be tolerated. In summary, the available evidence is currently insufficient to determine the role of this variant in disease. Therefore, it has been classified as a Variant of Uncertain Significance.

Ambry Genetics
Classification: Uncertain significance for Inborn genetic diseases. Last evaluated: 2023-01-17. Review status: criteria provided, single submitter. Criteria: Ambry Variant Classification Scheme 2023. Collection method: clinical testing. Allele origin: germline.